The following is an entry in ClinVar:

NM_000051.4(ATM):c.5497-10T>C

Gene: ATM (ATM serine/threonine kinase; plus strand). Cytogenetic location: 11q22.3.
Variant type: single nucleotide variant.
Coding change: c.5497-10T>C on transcript NM_000051.4 (MANE Select); 10 bases into the intron before coding-DNA position 5497, T replaced by C.
Molecular consequence: intron variant.
Genome position (GRCh38, 1-based): chr11:108,304,665, T>C. VCF-style: chr11-108304665-T-C. GRCh37 (hg19) VCF-style: chr11-108175392-T-C.
Other names: c.5497-10T>C (NM_001351834.2).
Identifiers: ClinVar variation 927324 (VCV000927324.9), dbSNP rs1457831101, ClinGen allele CA602132770.
Genomic context (GRCh38, chr11:108,304,665, plus strand): 5'-TTTAAGTAAAATGTATTAATTTTACTCATTTTTACTCAAACTATTGGGTGGATTTGTTTG[T>C]ATATTCTAGGTGAAAACTGACTTTTGTCAGACTGTACTTCCATACTTGATTCATGATATT-3'

ClinVar aggregate classification (germline): Conflicting classifications of pathogenicity. Review status: criteria provided, conflicting classifications (1 of 4 stars). 3 submissions from 3 submitters: Uncertain significance (1); Likely benign (2). Last evaluated 2024-05-23.

Conditions:
Hereditary cancer-predisposing syndrome. Also called: Tumor predisposition; Hereditary neoplastic syndrome; Neoplastic Syndromes, Hereditary; Hereditary Cancer Syndrome. Identifiers: Orphanet 140162, MedGen C0027672, MeSH D009386, MONDO:0015356.
Familial cancer of breast. Also called: BREAST CANCER, FAMILIAL; hereditary breast carcinoma; Hereditary breast cancer. Identifiers: Orphanet 227535, MedGen C0346153, MONDO:0016419, OMIM 114480. Disease mechanism: loss of function.
Ataxia-telangiectasia syndrome (AT). Also called: Ataxia-telangiectasia, complementation group D; Cerebello-oculocutaneous telangiectasia; Immunodeficiency with ataxia telangiectasia; LOUIS-BAR SYNDROME; Ataxia-telangiectasia; AT, COMPLEMENTATION GROUP C. Identifiers: Orphanet 100, MedGen C0004135, MONDO:0008840, OMIM 208900.

Allele frequency attached by ClinVar (database versions not stated): gnomAD exomes below 0.00001 and 0.00001.
gnomAD v4.1: 4 of 1,612,962 alleles (0.00025%); highest among the groups gnomAD compares: Admixed American, 0.0033%; no homozygotes.

Submissions (3):

Myriad Genetics, Inc.
Classification: Likely benign for Familial cancer of breast. Last evaluated: 2024-05-23. Review status: criteria provided, single submitter. Criteria: Myriad Autosomal Dominant, Autosomal Recessive and X-Linked Classification Criteria (2023). Collection method: clinical testing. Allele origin: unknown.
Comment: This variant is considered likely benign. This variant is intronic and is not expected to impact mRNA splicing.

Labcorp Genetics (formerly Invitae), Labcorp
Classification: Likely benign for Ataxia-telangiectasia syndrome. Last evaluated: 2023-10-27. Review status: criteria provided, single submitter. Criteria: Invitae Variant Classification Sherloc (09022015). Collection method: clinical testing. Allele origin: germline.

Color Diagnostics, LLC DBA Color Health
Classification: Uncertain significance for Hereditary cancer-predisposing syndrome. Last evaluated: 2019-03-05. Review status: criteria provided, single submitter. Criteria: ACMG Guidelines, 2015. Collection method: clinical testing. Allele origin: germline.